The following is an entry in ClinVar:

NC_000022.11:g.40346305G>A

Gene: ADSL (adenylosuccinate lyase; plus strand). Cytogenetic location: 22q13.1.
Variant type: single nucleotide variant.
Genome position: GRCh38 VCF-style: chr22-40346305-G-A. GRCh37 (hg19) VCF-style: chr22-40742309-G-A.
Identifiers: ClinVar variation 1395004 (VCV001395004.3), dbSNP rs1039907516, ClinGen allele CA324446752.
Genomic context (GRCh38, chr22:40,346,305, plus strand): 5'-TTACAAGCGTGAGCCACCGCGCCCGGCCAAGGAAGTCTTAATGTACCTCTTTTCAGACAG[G>A]AAAACTAAAGTGTAGCGCGGCTAAGTAACGTAGGAAGCATCAATCATGTTTCTGGTCAAA-3'

ClinVar aggregate classification (germline): Uncertain significance (1 of 4 stars; one submission).

Conditions:
Adenylosuccinate lyase deficiency (ADSLD). Also called: ADSL DEFICIENCY. Identifiers: Orphanet 46, MedGen C0268126, MONDO:0007068, OMIM 103050.

Allele frequency attached by ClinVar (database versions not stated): gnomAD 0.00001; TOPMed 0.00001.

Submission:

Labcorp Genetics (formerly Invitae), Labcorp
Classification: Uncertain significance for Adenylosuccinate lyase deficiency. Last evaluated: 2022-10-19. Review status: criteria provided, single submitter. Criteria: Invitae Variant Classification Sherloc (09022015). Collection method: clinical testing. Allele origin: germline.
Comment: This variant occurs in a non-coding region of the ADSL gene. It does not change the encoded amino acid sequence of the ADSL protein. This variant is not present in population databases (gnomAD no frequency). This variant has not been reported in the literature in individuals affected with ADSL-related conditions. Experimental studies and prediction algorithms are not available or were not evaluated, and the functional significance of this variant is currently unknown. In summary, the available evidence is currently insufficient to determine the role of this variant in disease. Therefore, it has been classified as a Variant of Uncertain Significance.